The following is an entry in ClinVar:

NM_000245.4(MET):c.4158C>G (p.Phe1386Leu)

Gene: MET (MET proto-oncogene, receptor tyrosine kinase; plus strand). Cytogenetic location: 7q31.2.
Variant type: single nucleotide variant.
Coding change: c.4158C>G on transcript NM_000245.4 (MANE Select); coding-DNA position 4158, C replaced by G.
Protein change: p.Phe1386Leu; replaces phenylalanine 1386 with leucine.
Molecular consequence: missense variant.
Genome position (GRCh38, 1-based): chr7:116,796,109, C>G. VCF-style: chr7-116796109-C-G. GRCh37 (hg19) VCF-style: chr7-116436163-C-G.
Other names: c.4212C>G, p.Phe1404Leu (NM_001127500.3); c.2868C>G, p.Phe956Leu (NM_001324402.2); short protein forms F1404L, F956L, F1386L.
Identifiers: ClinVar variation 3651769 (VCV003651769.2).

ClinVar aggregate classification (germline): Uncertain significance (1 of 4 stars; one submission).

Conditions:
Renal cell carcinoma. Identifiers: Orphanet 217071, MedGen C0007134, MeSH D002292, MONDO:0005086, HP:0005584.

gnomAD v4.1: 1 of 1,614,062 alleles (0.000062%); highest among the groups gnomAD compares: Non-Finnish European, 0.000085%; no homozygotes.

Submission:

Labcorp Genetics (formerly Invitae), Labcorp
Classification: Uncertain significance for Renal cell carcinoma. Last evaluated: 2024-05-01. Review status: criteria provided, single submitter. Criteria: Invitae Variant Classification Sherloc (09022015). Collection method: clinical testing. Allele origin: germline.
Comment: This sequence change replaces phenylalanine, which is neutral and non-polar, with leucine, which is neutral and non-polar, at codon 1404 of the MET protein (p.Phe1404Leu). This variant is not present in population databases (gnomAD no frequency). This variant has not been reported in the literature in individuals affected with MET-related conditions. Algorithms developed to predict the effect of missense changes on protein structure and function output the following: SIFT: "Not Available"; PolyPhen-2: "Not Available"; Align-GVGD: "Not Available". The leucine amino acid residue is found in multiple mammalian species, which suggests that this missense change does not adversely affect protein function. In summary, the available evidence is currently insufficient to determine the role of this variant in disease. Therefore, it has been classified as a Variant of Uncertain Significance.